The following is an entry in ClinVar:

ClinVar aggregate classification (germline): Likely benign. Review status: criteria provided, multiple submitters, no conflicts (2 of 4 stars). 2 submissions from 2 submitters: Likely benign (2). Last evaluated 2024-07-10.

Allele frequency attached by ClinVar (database versions not stated): gnomAD exomes below 0.00001; TOPMed below 0.00001; gnomAD 0.00002.
gnomAD v4.1: 10 of 1,607,886 alleles (0.00062%); highest among the groups gnomAD compares: Admixed American, 0.0017%; no homozygotes.

Submissions (2):

Blueprint Genetics
Classification: Likely benign. Last evaluated: 2024-07-10. Review status: criteria provided, single submitter. Criteria: ACMG Guidelines, 2015. Collection method: clinical testing. Allele origin: germline.

CeGaT Center for Human Genetics Tuebingen
Classification: Likely benign. Last evaluated: 2024-02-01. Review status: criteria provided, single submitter. Criteria: CeGaT Center For Human Genetics Tuebingen Variant Classification Criteria Version 2. Collection method: clinical testing. Allele origin: germline. Affected: yes. Observed: 1 variant allele.
Comment: ANKRD11: BP4, BP7

NM_013275.6(ANKRD11):c.6315C>T (p.Gly2105=)

Gene: ANKRD11 (ankyrin repeat domain 11; minus strand). Cytogenetic location: 16q24.3.
Variant type: single nucleotide variant.
Coding change: c.6315C>T on transcript NM_013275.6 (MANE Select); coding-DNA position 6315, C replaced by T.
Protein change: p.Gly2105=; no amino-acid change (glycine 2105 retained).
Molecular consequence: synonymous variant.
Genome position (GRCh38, 1-based): chr16:89,280,227, G>A on the plus strand (C>T on the coding strand, the complement: ANKRD11 is on the minus strand). VCF-style: chr16-89280227-G-A. GRCh37 (hg19) VCF-style: chr16-89346635-G-A.
Other names: c.6315C>T, p.Gly2105= (NM_001256182.2, NM_001256183.2).
Identifiers: ClinVar variation 3026044 (VCV003026044.23), dbSNP rs752397407, ClinGen allele CA8241499.